The following is an entry in ClinVar:

ClinVar aggregate classification (germline): Uncertain significance (1 of 4 stars; one submission).

Submission:

GeneDx
Classification: Uncertain significance. Last evaluated: 2026-01-12. Review status: criteria provided, single submitter. Criteria: GeneDx Variant Classification Process June 2021. Collection method: clinical testing. Allele origin: germline.
Comment: Not observed at significant frequency in large population cohorts (gnomAD); In silico analysis suggests that this missense variant does not alter protein structure/function; Has not been previously published as pathogenic or benign to our knowledge

NM_015047.3(EMC1):c.838C>G (p.Gln280Glu)

Genes: EMC1 (ER membrane protein complex subunit 1; minus strand), EMC1-AS1 (EMC1 antisense RNA 1; plus strand). Cytogenetic location: 1p36.13.
Variant type: single nucleotide variant.
Coding change: c.838C>G on transcript NM_015047.3 (MANE Select); coding-DNA position 838, C replaced by G.
Protein change: p.Gln280Glu; replaces glutamine 280 with glutamic acid.
Molecular consequence: missense variant.
Genome position (GRCh38, 1-based): chr1:19,239,934, G>C on the plus strand (C>G on the coding strand, the complement: EMC1 is on the minus strand). VCF-style: chr1-19239934-G-C. GRCh37 (hg19) VCF-style: chr1-19566428-G-C.
Other names: c.838C>G, p.Gln280Glu (NM_001271427.2, NM_001271428.2, NM_001375820.1 and 1 more transcripts); c.772C>G, p.Gln258Glu (NM_001271429.2); short protein forms Q258E, Q280E.
Identifiers: ClinVar variation 3364991 (VCV003364991.2).
Genomic context (GRCh38, chr1:19,239,934, plus strand): 5'-AGTGGCTTGGGGACAAGTGCAGGAAGAACTGGGCCCGGGAAGCGTCCACTGGGTTGGGCT[G>C]GGTAGGCAGGACCCGGGGTTGGAATCCACTTCCAAATTCTAAGTCGAGAGACTGGAAGGC-3'
Protein context (NP_055862.1, residues 270-290): SGFQPRVLPT[Gln280Glu]PNPVDASRAQ